The following is an entry in ClinVar:

NM_002691.4(POLD1):c.1871C>T (p.Pro624Leu)

Gene: POLD1 (DNA polymerase delta 1, catalytic subunit; plus strand). Cytogenetic location: 19q13.33.
Variant type: single nucleotide variant.
Coding change: c.1871C>T on transcript NM_002691.4 (MANE Select); coding-DNA position 1871, C replaced by T.
Protein change: p.Pro624Leu; replaces proline 624 with leucine.
Molecular consequence: missense variant. On other transcripts: non-coding transcript variant (1).
Genome position (GRCh38, 1-based): chr19:50,408,880, C>T. VCF-style: chr19-50408880-C-T. GRCh37 (hg19) VCF-style: chr19-50912137-C-T.
Other names: c.1871C>T, p.Pro624Leu (NM_001256849.1, NM_001438210.1, NM_001438211.1 and 2 more transcripts); c.1949C>T, p.Pro650Leu (NM_001308632.1); short protein forms P624L, P650L.
Identifiers: ClinVar variation 4669102 (VCV004669102.1).

ClinVar aggregate classification (germline): Uncertain significance (1 of 4 stars; one submission).

Conditions:
Hereditary cancer-predisposing syndrome. Also called: Neoplastic Syndromes, Hereditary; Tumor predisposition; Hereditary Cancer Syndrome; Hereditary neoplastic syndrome. Identifiers: Orphanet 140162, MedGen C0027672, MeSH D009386, MONDO:0015356.

Submission:

Ambry Genetics
Classification: Uncertain significance for Hereditary cancer-predisposing syndrome. Last evaluated: 2025-10-11. Review status: criteria provided, single submitter. Criteria: Ambry Variant Classification Scheme 2023. Collection method: clinical testing. Allele origin: germline.
Comment: The p.P624L variant (also known as c.1871C>T), located in coding exon 14 of the POLD1 gene, results from a C to T substitution at nucleotide position 1871. The proline at codon 624 is replaced by leucine, an amino acid with similar properties. This amino acid position is conserved. In addition, this alteration is predicted to be tolerated by in silico analysis. Based on the available evidence, the clinical significance of this variant remains unclear.